The following is an entry in ClinVar:

ClinVar aggregate classification (germline): Likely benign (0 of 4 stars; one submission).

Conditions:
DMGDH-related disorder. Also called: DMGDH-related condition.

gnomAD v4.1: 152 of 1,317,760 alleles (0.012%); highest among the groups gnomAD compares: Non-Finnish European, 0.011%; no homozygotes.

Submission:

PreventionGenetics, part of Exact Sciences
Classification: Likely benign for DMGDH-related condition. Last evaluated: 2019-09-26. Review status: no assertion criteria provided. Collection method: clinical testing. Allele origin: germline.
Comment: This variant is classified as likely benign based on ACMG/AMP sequence variant interpretation guidelines (Richards et al. 2015 PMID: 25741868, with internal and published modifications).

NM_013391.3(DMGDH):c.69C>T (p.Pro23=)

Gene: DMGDH (dimethylglycine dehydrogenase; minus strand). Cytogenetic location: 5q14.1.
Variant type: single nucleotide variant.
Coding change: c.69C>T on transcript NM_013391.3 (MANE Select); coding-DNA position 69, C replaced by T.
Protein change: p.Pro23=; no amino-acid change (proline 23 retained).
Molecular consequence: synonymous variant. On other transcripts: non-coding transcript variant (2).
Genome position (GRCh38, 1-based): chr5:79,069,552, G>A on the plus strand (C>T on the coding strand, the complement: DMGDH is on the minus strand). VCF-style: chr5-79069552-G-A. GRCh37 (hg19) VCF-style: chr5-78365375-G-A.
Identifiers: ClinVar variation 3040607 (VCV003040607.2), dbSNP rs929359642, ClinGen allele CA121126562.